The following continues an entry in ClinVar:

NM_024675.4(PALB2):c.3507_3508del (p.His1170fs)

Gene: PALB2. ClinVar aggregate classification (germline): Pathogenic/Likely pathogenic. Pathogenic (14); Likely pathogenic (8).

Submissions 11 to 25 of 25:

Fulgent Genetics
Classification: Pathogenic for Fanconi anemia complementation group N; Pancreatic cancer, susceptibility to, 3; Breast-ovarian cancer, familial, susceptibility to, 5. Last evaluated: 2024-01-22. Review status: criteria provided, single submitter. Criteria: ACMG Guidelines, 2015. Collection method: clinical testing. Allele origin: germline.

Institute of Human Genetics, University of Leipzig Medical Center
Classification: Pathogenic for Familial cancer of breast. Last evaluated: 2023-06-28. Review status: criteria provided, single submitter. Criteria: ACMG Guidelines, 2015. Collection method: clinical testing. Allele origin: unknown. Inheritance: Autosomal dominant inheritance. Affected: yes.
Comment: Criteria applied: PVS1_MOD,PS4,PM2_SUP_MOD,PP1

Myriad Genetics, Inc.
Classification: Likely pathogenic for Familial cancer of breast. Last evaluated: 2023-03-31. Review status: criteria provided, single submitter. Criteria: Myriad Autosomal Dominant, Autosomal Recessive and X-Linked Classification Criteria (2023). Collection method: clinical testing. Allele origin: unknown.
Comment: This variant is considered likely pathogenic. This variant creates a frameshift predicted to result in the incorporation of abnormal amino acid sequence into the protein product and abnormal protein elongation. Functional studies indicate this variant impacts protein function [PMID: 19423707, 19609323].

MGZ Medical Genetics Center
Classification: Pathogenic for Fanconi anemia complementation group N. Last evaluated: 2023-03-09. Review status: criteria provided, single submitter. Criteria: ACMG Guidelines, 2015. Collection method: clinical testing. Allele origin: germline. Observed: 2 variant alleles.
Comment: ACMG criteria applied: PVS1_STR, PS4, PP1_MOD, PM2_SUP

Department of Pathology and Laboratory Medicine, Sinai Health System
Classification: Pathogenic for Breast-ovarian cancer, familial, susceptibility to, 5. Last evaluated: 2022-08-16. Review status: criteria provided, single submitter. Criteria: ACMG Guidelines, 2015. Collection method: clinical testing. Allele origin: germline. Affected: yes.

National Health Laboratory Service, Universitas Academic Hospital and University of the Free State
Classification: Pathogenic for Hereditary breast ovarian cancer syndrome. Last evaluated: 2022-04-19. Review status: criteria provided, single submitter. Criteria: ACMG Guidelines, 2015. Collection method: clinical testing. Allele origin: germline. Affected: yes. Observed: 1 variant allele.

Dasa
Classification: Likely pathogenic. Last evaluated: 2022-03-05. Review status: criteria provided, single submitter. Criteria: ACMG Guidelines, 2015. Collection method: clinical testing. Allele origin: germline. Affected: yes. Observed: 1 variant allele.
Comment: The c.3507_3508del ;p.(His1170Phefs*?) is a null frameshift variant (NMD) in the PALB2 gene and predicts alteration of the nonsense-mediate decay - NMD is present in a relevant exon to the transcript - PVS1_moderate. This sequence change has been observed in affected individual(s) and ClinVar contains an entry for this variant (ClinVar ID: 140978; 25225577; PMID: 26283626; PMID: 25099575; PMID: 24556621; PMID: 26786923)PS4. The variant is present at low allele frequencies population databases (rs587776428 – gnomAD 0.00006579%; ABraOM no frequency.) - PM2_supporting. The variant co-segregated with disease in multiple affected family members (PMID: 25225577, 24556621) - PP1_moderate. In summary, the currently available evidence indicates that the variant is likely pathogenic.

CeGaT Center for Human Genetics Tuebingen
Classification: Pathogenic. Last evaluated: 2021-09-01. Review status: criteria provided, single submitter. Criteria: CeGaT Center For Human Genetics Tuebingen Variant Classification Criteria Version 2. Collection method: clinical testing. Allele origin: germline. Affected: yes. Observed: 2 variant alleles.

Color Diagnostics, LLC DBA Color Health
Classification: Pathogenic for Hereditary cancer-predisposing syndrome. Last evaluated: 2020-12-07. Review status: criteria provided, single submitter. Criteria: ACMG Guidelines, 2015. Collection method: clinical testing. Allele origin: germline.
Comment: This variant deletes 2 nucleotides in the last coding exon 13 of the PALB2 gene, substituting the last 17 amino acids of the protein with 18 different amino acids. This variant may also be known as c.3504_3505del. The variant impacts the C-terminus of the WD40 repeats domain, a known functional domain (PMID: 16793542, 19423707). Splice site prediction tools suggest that this variant may not impact RNA splicing. To our knowledge, functional studies have not been performed for this variant. This variant has been observed in individuals with personal and/or family history of breast and ovarian cancer (PMID: 25099575, 25225577, 26283626, 26315354, 26786923, 29752822, 29431189, 28825143) and prostate cancer (PMID: 24556621), including one family in which the variant segregates with three first-degree relatives with early-onset or bilateral breast cancer (PMID: 25225577). This variant has been identified in 1/31326 chromosomes in the general population by the Genome Aggregation Database (gnomAD). Loss of PALB2 function is a known mechanism of disease. Based on the available evidence, this variant is classified as Pathogenic.

Revvity Omics, Revvity
Classification: Pathogenic. Last evaluated: 2020-03-06. Review status: criteria provided, single submitter. Criteria: ACMG Guidelines, 2015. Collection method: clinical testing. Allele origin: germline.

Cancer Genetics Laboratory, Peter MacCallum Cancer Centre
Classification: Likely pathogenic for Familial cancer of breast. Last evaluated: 2015-06-01. Review status: criteria provided, single submitter. Criteria: Thompson et al. (Breast Cancer Res. 2015). Collection method: case-control. Allele origin: germline. Affected: yes. Observed: 1 variant allele, 1 heterozygote.

Genesis Genomics
Classification: Pathogenic for Breast-ovarian cancer, familial, susceptibility to, 5. Review status: criteria provided, single submitter. Criteria: ACMG Guidelines, 2015. Collection method: clinical testing. Allele origin: germline. Affected: yes. Observed: 1 variant allele.

Leiden Open Variation Database
Classification: Pathogenic for Familial cancer of breast. Last evaluated: 2019-05-13. Review status: no assertion criteria provided. Collection method: curation. Allele origin: germline. Affected: yes. Not counted in ClinVar's aggregate classification.
Comment: Curators: Marc Tischkowitz, Arleen D. Auerbach. Submitter to LOVD: Marc Tischkowitz.

Counsyl
Classification: Likely pathogenic for Familial cancer of breast. Last evaluated: 2017-05-18. Review status: no assertion criteria provided. Collection method: clinical testing. Allele origin: unknown. Not counted in ClinVar's aggregate classification.

SNPedia
Classification: Pathogenic. Review status: no assertion criteria provided. Collection method: not provided. Allele origin: germline. Not counted in ClinVar's aggregate classification.
ClinVar note: Converted during submission from pathogenic to Pathogenic.

Literature cited by the submitters: PubMed 24556621 (cited by 5 submitters); PubMed 25099575 (cited by 5 submitters); PubMed 25225577 (cited by 6 submitters); PubMed 26283626 (cited by 4 submitters); PubMed 26314354 (cited by Labcorp Genetics (formerly Invitae), Labcorp); PubMed 26786923 (cited by 4 submitters); PubMed 17200671 (cited by Labcorp Genetics (formerly Invitae), Labcorp); PubMed 28825143 (cited by Ambry Genetics); PubMed 29431189 (cited by Ambry Genetics); PubMed 29752822 (cited by Ambry Genetics); PubMed 30254378 (cited by Ambry Genetics); PubMed 31428676 (cited by Ambry Genetics); PubMed 32125938 (cited by Ambry Genetics); PubMed 31841383 (cited by Women's Health and Genetics/Laboratory Corporation of America, LabCorp); PubMed 19423707 (cited by Myriad Genetics, Inc. and Counsyl); PubMed 19609323 (cited by Myriad Genetics, Inc.); PubMed 26315354 (cited by Counsyl); PubMed 24998779 (cited by Counsyl); PubMed 19584259 (cited by Counsyl).